The following is an entry in ClinVar:

NM_001378609.3(OTOGL):c.6615G>A (p.Ala2205=)

Gene: OTOGL (otogelin like; plus strand). Cytogenetic location: 12q21.31.
Variant type: single nucleotide variant.
Coding change: c.6615G>A on transcript NM_001378609.3 (MANE Select); coding-DNA position 6615, G replaced by A.
Protein change: p.Ala2205=; no amino-acid change (alanine 2205 retained).
Molecular consequence: synonymous variant.
Genome position (GRCh38, 1-based): chr12:80,368,309, G>A. VCF-style: chr12-80368309-G-A. GRCh37 (hg19) VCF-style: chr12-80762089-G-A.
Other names: c.6480G>A, p.Ala2160= (NM_001368062.3); c.6615G>A, p.Ala2205= (NM_001378610.3, NM_173591.7).
Identifiers: ClinVar variation 1435458 (VCV001435458.4), dbSNP rs764032652, ClinGen allele CA6702082.

ClinVar aggregate classification (germline): Uncertain significance (1 of 4 stars; one submission).

Allele frequency attached by ClinVar (database versions not stated): TOPMed 0.00002; gnomAD 0.00001; ExAC 0.00002.
gnomAD v4.1: 16 of 1,572,812 alleles (0.001%); highest among the groups gnomAD compares: Admixed American, 0.0036%; no homozygotes.

Submission:

Labcorp Genetics (formerly Invitae), Labcorp
Classification: Uncertain significance. Last evaluated: 2023-08-04. Review status: criteria provided, single submitter. Criteria: Invitae Variant Classification Sherloc (09022015). Collection method: clinical testing. Allele origin: germline.
Comment: In summary, the available evidence is currently insufficient to determine the role of this variant in disease. Therefore, it has been classified as a Variant of Uncertain Significance. Variants that disrupt the consensus splice site are a relatively common cause of aberrant splicing (PMID: 17576681, 9536098). Algorithms developed to predict the effect of sequence changes on RNA splicing suggest that this variant may disrupt the consensus splice site. ClinVar contains an entry for this variant (Variation ID: 1435458). This variant has not been reported in the literature in individuals affected with OTOGL-related conditions. The frequency data for this variant in the population databases is considered unreliable, as metrics indicate poor data quality at this position in the gnomAD database. This sequence change affects codon 2196 of the OTOGL mRNA. It is a 'silent' change, meaning that it does not change the encoded amino acid sequence of the OTOGL protein. This variant also falls at the last nucleotide of exon 54, which is part of the consensus splice site for this exon.

Literature cited by the submitters: PubMed 17576681; PubMed 9536098.